The following is an entry in ClinVar:

ClinVar aggregate classification (germline): Uncertain significance (1 of 4 stars; one submission).

Conditions:
Multiple acyl-CoA dehydrogenase deficiency (MADD). Also called: Glutaric aciduria, type 2; ETHYLMALONIC-ADIPICACIDURIA; GA II; Glutaric acidemia type II; GA 2; Glutaric Acidemia type 2. Identifiers: Orphanet 26791, MedGen C0268596, MONDO:0009282, OMIM 231680.

Allele frequency attached by ClinVar (database versions not stated): gnomAD exomes 0.00002; TOPMed 0.00003.
gnomAD v4.1: 32 of 1,614,076 alleles (0.002%); highest among the groups gnomAD compares: Non-Finnish European, 0.0026%; no homozygotes.

Submission:

Labcorp Genetics (formerly Invitae), Labcorp
Classification: Uncertain significance for Multiple acyl-CoA dehydrogenase deficiency. Last evaluated: 2022-03-04. Review status: criteria provided, single submitter. Criteria: Invitae Variant Classification Sherloc (09022015). Collection method: clinical testing. Allele origin: germline.
Comment: This sequence change replaces arginine, which is basic and polar, with serine, which is neutral and polar, at codon 26 of the ETFB protein (p.Arg26Ser). This variant is present in population databases (rs564020088, gnomAD 0.009%). This variant has not been reported in the literature in individuals affected with ETFB-related conditions. Algorithms developed to predict the effect of missense changes on protein structure and function (SIFT, PolyPhen-2, Align-GVGD) all suggest that this variant is likely to be tolerated. In summary, the available evidence is currently insufficient to determine the role of this variant in disease. Therefore, it has been classified as a Variant of Uncertain Significance.

NM_001985.3(ETFB):c.78G>T (p.Arg26Ser)

Gene: ETFB (electron transfer flavoprotein subunit beta; minus strand). Cytogenetic location: 19q13.41.
Variant type: single nucleotide variant.
Coding change: c.78G>T on transcript NM_001985.3 (MANE Select); coding-DNA position 78, G replaced by T.
Protein change: p.Arg26Ser; replaces arginine 26 with serine.
Molecular consequence: missense variant.
Genome position (GRCh38, 1-based): chr19:51,354,288, C>A on the plus strand (G>T on the coding strand, the complement: ETFB is on the minus strand). VCF-style: chr19-51354288-C-A. GRCh37 (hg19) VCF-style: chr19-51857542-C-A.
Other names: c.351G>T, p.Arg117Ser (NM_001014763.1); short protein forms R26S, R117S.
Identifiers: ClinVar variation 2189942 (VCV002189942.1), dbSNP rs564020088, ClinGen allele CA9610870.
Genomic context (GRCh38, chr19:51,354,288, plus strand): 5'-CACCGCGATCTCACAGAAGGGGTTCATGGAGTGCTTCACACCATCCGTGACCACACCGGT[C>A]CTGTCAGGCTTCACTCGGATCTGCCCAGCAGGAGGGGAAGGGGTGGGGTCAGGAGGAAAC-3'
Protein context (NP_001976.1, residues 16-36): YAVKIRVKPD[Arg26Ser]TGVVTDGVKH